The following is an entry in ClinVar:

NM_176824.3(BBS7):c.379T>G (p.Tyr127Asp)

Gene: BBS7 (Bardet-Biedl syndrome 7; minus strand). Cytogenetic location: 4q27.
Variant type: single nucleotide variant.
Coding change: c.379T>G on transcript NM_176824.3 (MANE Select); coding-DNA position 379, T replaced by G.
Protein change: p.Tyr127Asp; replaces tyrosine 127 with aspartic acid.
Molecular consequence: missense variant.
Genome position (GRCh38, 1-based): chr4:121,859,141, A>C on the plus strand (T>G on the coding strand, the complement: BBS7 is on the minus strand). VCF-style: chr4-121859141-A-C. GRCh37 (hg19) VCF-style: chr4-122780296-A-C.
Other names: c.379T>G, p.Tyr127Asp (NM_018190.4); short protein forms Y127D.
Identifiers: ClinVar variation 1389651 (VCV001389651.6), dbSNP rs2149085024, ClinGen allele CA358043371.

ClinVar aggregate classification (germline): Uncertain significance (1 of 4 stars; one submission).

Conditions:
Bardet-Biedl syndrome (BBS). Identifiers: Orphanet 110, MedGen C0752166, MONDO:0015229.

Submission:

Labcorp Genetics (formerly Invitae), Labcorp
Classification: Uncertain significance for Bardet-Biedl syndrome. Last evaluated: 2021-10-27. Review status: criteria provided, single submitter. Criteria: Invitae Variant Classification Sherloc (09022015). Collection method: clinical testing. Allele origin: germline.
Comment: This sequence change replaces tyrosine, a(n) neutral and polar amino acid, with aspartic acid, a(n) acidic and polar amino acid, at codon 127 of the BBS7 protein (p.Tyr127Asp). This variant is not present in population databases (gnomAD no frequency). This variant has not been reported in the literature in individuals affected with BBS7-related conditions. Algorithms developed to predict the effect of missense changes on protein structure and function are either unavailable or do not agree on the potential impact of this missense change (SIFT: "Tolerated"; PolyPhen-2: "Probably Damaging"; Align-GVGD: "Class C15"). In summary, the available evidence is currently insufficient to determine the role of this variant in disease. Therefore, it has been classified as a Variant of Uncertain Significance.